The following is an entry in ClinVar:

NM_005045.4(RELN):c.8554C>G (p.Leu2852Val)

Genes: RELN (reelin; minus strand), SLC26A5-AS1 (SLC26A5 antisense RNA 1; plus strand). Cytogenetic location: 7q22.1.
Variant type: single nucleotide variant.
Coding change: c.8554C>G on transcript NM_005045.4 (MANE Select); coding-DNA position 8554, C replaced by G.
Protein change: p.Leu2852Val; replaces leucine 2852 with valine.
Molecular consequence: missense variant.
Genome position (GRCh38, 1-based): chr7:103,500,858, G>C on the plus strand (C>G on the coding strand, the complement: RELN is on the minus strand). VCF-style: chr7-103500858-G-C. GRCh37 (hg19) VCF-style: chr7-103141305-G-C.
Other names: c.8554C>G, p.Leu2852Val (NM_173054.3); short protein forms L2852V.
Identifiers: ClinVar variation 5020796 (VCV005020796.1).

ClinVar aggregate classification (germline): Uncertain significance (1 of 4 stars; one submission).

Submission:

Dasa
Classification: Uncertain significance. Last evaluated: 2025-11-16. Review status: criteria provided, single submitter. Criteria: DASA Assertion Criteria. Collection method: clinical testing. Allele origin: germline.
Comment: NM_005045.4(RELN):c.8554C>G (p.Leu2852Val) is a missense variant that results in the substitution of leucine with valine. This variant is absent from population databases. Computational prediction algorithms are consistent with a benign effect. The currently available literature and clinical evidence are not sufficient to establish a definitive association between this variant and the reported condition. Therefore, this variant is classified as a variant of uncertain significance.